The following is an entry in ClinVar:

ClinVar aggregate classification (germline): Pathogenic (1 of 4 stars; one submission).

Conditions:
Tubulinopathy. Also called: Tubulinopathies. Identifiers: MedGen CN850169, MONDO:0100153.

Submission:

Institute of Human Genetics, FAU Erlangen, Friedrich-Alexander-Universität Erlangen-Nürnberg
Classification: Pathogenic for Tubulinopathies. Last evaluated: 2018-07-01. Review status: criteria provided, single submitter. Criteria: ACMG Guidelines, 2015. Collection method: literature only. Allele origin: de novo. Affected: yes. Observed: 1 variant allele.
Comment: The c.1285G>C, p.(Glu429Gln) variant has been reported as a variant of de novo origin. This variant and associated phenotype was previously reported by Bahi-Buisson et al. Brain, 2014 PMID: 24860126. Agyria (HP:0031882); Cerebellar vermis hypoplasia (HP:0001320); Hypoplasia of the pons (HP:0012110); Cerebellar hypoplasia (HP:0001321); Microcephaly (HP:0000252)

Literature cited by the submitters: PubMed 30744660; DOI 10.1101/427948.

NM_006009.4(TUBA1A):c.1285G>C (p.Glu429Gln)

Gene: TUBA1A (tubulin alpha 1a; minus strand). Cytogenetic location: 12q13.12.
Variant type: single nucleotide variant.
Coding change: c.1285G>C on transcript NM_006009.4 (MANE Select); coding-DNA position 1285, G replaced by C.
Protein change: p.Glu429Gln; replaces glutamic acid 429 with glutamine.
Molecular consequence: missense variant.
Genome position (GRCh38, 1-based): chr12:49,185,081, C>G on the plus strand (G>C on the coding strand, the complement: TUBA1A is on the minus strand). VCF-style: chr12-49185081-C-G. GRCh37 (hg19) VCF-style: chr12-49578864-C-G.
Other names: c.1285G>C, p.Glu429Gln (NM_001270399.2); c.1180G>C, p.Glu394Gln (NM_001270400.2); short protein forms E429Q, E394Q.
Identifiers: ClinVar variation 625488 (VCV000625488.2), dbSNP rs1565626872, ClinGen allele CA384633591.